The following is an entry in ClinVar:

NM_000038.6(APC):c.3847G>T (p.Ala1283Ser)

Gene: APC (APC regulator of Wnt signaling pathway; plus strand). Cytogenetic location: 5q22.2.
Variant type: single nucleotide variant.
Coding change: c.3847G>T on transcript NM_000038.6 (MANE Select); coding-DNA position 3847, G replaced by T.
Protein change: p.Ala1283Ser; replaces alanine 1283 with serine.
Molecular consequence: missense variant. On other transcripts: non-coding transcript variant (2).
Genome position (GRCh38, 1-based): chr5:112,839,441, G>T. VCF-style: chr5-112839441-G-T. GRCh37 (hg19) VCF-style: chr5-112175138-G-T.
Other names: c.3544G>T, p.Ala1182Ser (NM_001407458.1, NM_001407460.1, NM_001407459.1 and 1 more transcripts); c.3460G>T, p.Ala1154Ser (NM_001407467.1, NM_001407469.1); c.2695G>T, p.Ala899Ser (NM_001407472.1, NM_001407471.1); c.2998G>T, p.Ala1000Ser (NM_001407470.1, NM_001354906.2); c.3847G>T, p.Ala1283Ser (NM_001127510.3, NM_001354895.2, NM_001407450.1); c.3793G>T, p.Ala1265Ser (NM_001127511.3); c.3901G>T, p.Ala1301Ser (NM_001354896.2, NM_001407447.1, NM_001407448.1 and 1 more transcripts); c.3877G>T, p.Ala1293Ser (NM_001354897.2); and 11 more; short protein forms A1000S, A1182S, A1242S, A1265S, A1273S, A1276S, A1293S, A1157S.
Identifiers: ClinVar variation 2624851 (VCV002624851.2), dbSNP rs1428789824, ClinGen allele CA16029771.

ClinVar aggregate classification (germline): Uncertain significance (1 of 4 stars; one submission).

Conditions:
Hereditary cancer-predisposing syndrome. Also called: Tumor predisposition; Hereditary Cancer Syndrome; Hereditary neoplastic syndrome; Neoplastic Syndromes, Hereditary. Identifiers: Orphanet 140162, MedGen C0027672, MeSH D009386, MONDO:0015356.

Submission:

Ambry Genetics
Classification: Uncertain significance for Hereditary cancer-predisposing syndrome. Last evaluated: 2023-09-07. Review status: criteria provided, single submitter. Criteria: Ambry Variant Classification Scheme 2023. Collection method: clinical testing. Allele origin: germline.
Comment: The p.A1283S variant (also known as c.3847G>T), located in coding exon 15 of the APC gene, results from a G to T substitution at nucleotide position 3847. The alanine at codon 1283 is replaced by serine, an amino acid with similar properties. This amino acid position is conserved. In addition, in silico predictors for this gene do not accurately predict pathogenicity. Since supporting evidence is limited at this time, the clinical significance of this alteration remains unclear.